The following is an entry in ClinVar:

NM_000051.4(ATM):c.5029G>A (p.Glu1677Lys)

Gene: ATM (ATM serine/threonine kinase; plus strand). Cytogenetic location: 11q22.3.
Variant type: single nucleotide variant.
Coding change: c.5029G>A on transcript NM_000051.4 (MANE Select); coding-DNA position 5029, G replaced by A.
Protein change: p.Glu1677Lys; replaces glutamic acid 1677 with lysine.
Molecular consequence: missense variant.
Genome position (GRCh38, 1-based): chr11:108,299,737, G>A. VCF-style: chr11-108299737-G-A. GRCh37 (hg19) VCF-style: chr11-108170464-G-A.
Other names: c.5029G>A, p.Glu1677Lys (NM_001351834.2); short protein forms E1677K.
Identifiers: ClinVar variation 4617247 (VCV004617247.1).

ClinVar aggregate classification (germline): Uncertain significance (1 of 4 stars; one submission).

Conditions:
Hereditary cancer-predisposing syndrome. Also called: Neoplastic Syndromes, Hereditary; Tumor predisposition; Hereditary Cancer Syndrome; Hereditary neoplastic syndrome. Identifiers: Orphanet 140162, MedGen C0027672, MeSH D009386, MONDO:0015356.

Submission:

Ambry Genetics
Classification: Uncertain significance for Hereditary cancer-predisposing syndrome. Last evaluated: 2025-10-01. Review status: criteria provided, single submitter. Criteria: Ambry Variant Classification Scheme 2023. Collection method: clinical testing. Allele origin: germline.
Comment: The p.E1677K variant (also known as c.5029G>A), located in coding exon 33 of the ATM gene, results from a G to A substitution at nucleotide position 5029. The glutamic acid at codon 1677 is replaced by lysine, an amino acid with similar properties. This amino acid position is highly conserved in available vertebrate species. In addition, this alteration is predicted to be deleterious by in silico analysis. Based on the available evidence, the clinical significance of this variant remains unclear.